The following is an entry in ClinVar:

NM_000143.4(FH):c.715G>A (p.Ala239Thr)

Gene: FH (fumarate hydratase; minus strand). Cytogenetic location: 1q43.
Variant type: single nucleotide variant.
Coding change: c.715G>A on transcript NM_000143.4 (MANE Select); coding-DNA position 715, G replaced by A.
Protein change: p.Ala239Thr; replaces alanine 239 with threonine.
Molecular consequence: missense variant.
Genome position (GRCh38, 1-based): chr1:241,508,626, C>T on the plus strand (G>A on the coding strand, the complement: FH is on the minus strand). VCF-style: chr1-241508626-C-T. GRCh37 (hg19) VCF-style: chr1-241671926-C-T.
Other names: short protein forms A239T.
Identifiers: ClinVar variation 4024819 (VCV004024819.1).

ClinVar aggregate classification (germline): Likely pathogenic (1 of 4 stars; one submission).

Conditions:
Hereditary cancer-predisposing syndrome. Also called: Tumor predisposition; Hereditary neoplastic syndrome; Neoplastic Syndromes, Hereditary; Hereditary Cancer Syndrome. Identifiers: Orphanet 140162, MedGen C0027672, MeSH D009386, MONDO:0015356.

Submission:

Ambry Genetics
Classification: Likely pathogenic for Hereditary cancer-predisposing syndrome. Last evaluated: 2025-03-18. Review status: criteria provided, single submitter. Criteria: Ambry Variant Classification Scheme 2023. Collection method: clinical testing. Allele origin: germline.
Comment: The p.A239T variant (also known as c.715G>A), located in coding exon 5 of the FH gene, results from a G to A substitution at nucleotide position 715. The alanine at codon 239 is replaced by threonine, an amino acid with similar properties. This variant was reported in individual(s) with features consistent with hereditary leiomyomatosis and renal cell cancer (HLRCC) (Ambry internal data). This variant is considered to be rare based on population cohorts in the Genome Aggregation Database (gnomAD). This amino acid position is highly conserved in available vertebrate species. In addition, this alteration is predicted to be deleterious by in silico analysis. Based on the majority of available evidence to date, this variant is likely to be pathogenic.